The following is an entry in ClinVar:

NM_001042492.3(NF1):c.7663A>G (p.Lys2555Glu)

Gene: NF1 (neurofibromin 1; plus strand). Cytogenetic location: 17q11.2.
Variant type: single nucleotide variant.
Coding change: c.7663A>G on transcript NM_001042492.3 (MANE Select); coding-DNA position 7663, A replaced by G.
Protein change: p.Lys2555Glu; replaces lysine 2555 with glutamic acid.
Molecular consequence: missense variant.
Genome position (GRCh38, 1-based): chr17:31,356,507, A>G. VCF-style: chr17-31356507-A-G. GRCh37 (hg19) VCF-style: chr17-29683525-A-G.
Other names: c.7600A>G, p.Lys2534Glu (NM_000267.4); short protein forms K2534E, K2555E.
Identifiers: ClinVar variation 187512 (VCV000187512.11), dbSNP rs786203792, ClinGen allele CA197835.

ClinVar aggregate classification (germline): Conflicting classifications of pathogenicity. Review status: criteria provided, conflicting classifications (1 of 4 stars). 4 submissions from 3 submitters: Uncertain significance (3); Likely benign (1). Last evaluated 2025-12-24.

Conditions:
Hereditary cancer-predisposing syndrome. Also called: Hereditary Cancer Syndrome; Neoplastic Syndromes, Hereditary; Tumor predisposition; Hereditary neoplastic syndrome. Identifiers: Orphanet 140162, MedGen C0027672, MeSH D009386, MONDO:0015356.
Cardiovascular phenotype. Identifiers: MedGen CN230736.
Neurofibromatosis, type 1 (NF1). Also called: NEUROFIBROMATOSIS, TYPE I, SOMATIC; VON RECKLINGHAUSEN DISEASE; Peripheral type neurofibromatosis; Neurofibromatosis, type I. Identifiers: Orphanet 636, MedGen C0027831, MONDO:0018975, OMIM 162200. Disease mechanism: loss of function.

Submissions (4):

Labcorp Genetics (formerly Invitae), Labcorp
Classification: Likely benign for Neurofibromatosis, type 1. Last evaluated: 2025-12-24. Review status: criteria provided, single submitter. Criteria: Invitae Variant Classification Sherloc (09022015). Collection method: clinical testing. Allele origin: germline.

Ambry Genetics
Classification: Uncertain significance for Cardiovascular phenotype; Hereditary cancer-predisposing syndrome. Last evaluated: 2022-06-29. Review status: criteria provided, single submitter. Criteria: Ambry Variant Classification Scheme 2023. Collection method: clinical testing. Allele origin: germline.

Genome-Nilou Lab
Classification: Uncertain significance for Neurofibromatosis, type 1. Last evaluated: 2022-03-15. Review status: criteria provided, single submitter. Criteria: ACMG Guidelines, 2015. Collection method: clinical testing. Allele origin: germline. Affected: no.

Ambry Genetics
Classification: Uncertain significance for Hereditary cancer-predisposing syndrome. Last evaluated: 2014-12-24. Review status: criteria provided, single submitter. Criteria: Ambry Autosomal Dominant and X-Linked criteria (10/2015). Collection method: clinical testing. Allele origin: germline. Observed: 1 variant allele.
Comment: The p.K2555E variant (also known as c.7663A>G and c.7600A>G and p.K2534E), located in coding exon 52 of the NF1 gene, results from an A to G substitution at nucleotide position 7663. The lysine at codon 2555 is replaced by glutamic acid, an amino acid with similar properties. This variant was not reported in population based cohorts in the following databases: Database of Single Nucleotide Polymorphisms (dbSNP), NHLBI Exome Sequencing Project (ESP), and 1000 Genomes Project. In the ESP, this variant was not observed in 6503 samples (13006 alleles) with coverage at this position. To date, this alteration has been detected with an allele frequency of approximately 0.003% (greater than 30000alleles tested) in our clinical cohort.This amino acid position is highly conserved in available vertebrate species. In addition, the in silico prediction for this alteration is inconclusive.Since supporting evidence is limited at this time, the clinical significance of p.K2555Eremains unclear.